The following is an entry in ClinVar:

ClinVar aggregate classification (germline): Benign (1 of 4 stars; one submission).

Allele frequency attached by ClinVar (database versions not stated): 1000 Genomes Project 30x 0.38117; 1000 Genomes Project 0.38319; TOPMed 0.40658; gnomAD 0.42075 and 0.42177.
gnomAD v4.1: 64,373 of 152,080 alleles (42%); highest among the groups gnomAD compares: Middle Eastern, 52%; 14,836 homozygotes.

Submissions (13):

GeneDx
Classification: Benign. Last evaluated: 2018-06-14. Review status: criteria provided, single submitter. Criteria: GeneDx Variant Classification (06012015). Collection method: clinical testing. Allele origin: germline. Affected: yes.
Comment: This variant is considered likely benign or benign based on one or more of the following criteria: it is a conservative change, it occurs at a poorly conserved position in the protein, it is predicted to be benign by multiple in silico algorithms, and/or has population frequency not consistent with disease.

Dr. Peter K. Rogan Lab, Western University
No classification provided (evidence only). Condition: Malignant lymphoma, large B-cell, diffuse. Review status: no classification provided. Collection method: in vitro. Allele origin: not applicable. Functional consequence: retained intron. Not counted in ClinVar's aggregate classification.

Dr. Peter K. Rogan Lab, Western University
No classification provided (evidence only). Condition: Malignant lymphoma, large B-cell, diffuse. Review status: no classification provided. Collection method: in vitro. Allele origin: not applicable. Functional consequence: retained intron. Not counted in ClinVar's aggregate classification.

Dr. Peter K. Rogan Lab, Western University
No classification provided (evidence only). Condition: Malignant lymphoma, large B-cell, diffuse. Review status: no classification provided. Collection method: in vitro. Allele origin: not applicable. Functional consequence: retained intron. Not counted in ClinVar's aggregate classification.

Dr. Peter K. Rogan Lab, Western University
No classification provided (evidence only). Condition: Malignant lymphoma, large B-cell, diffuse. Review status: no classification provided. Collection method: in vitro. Allele origin: not applicable. Functional consequence: retained intron. Not counted in ClinVar's aggregate classification.

Dr. Peter K. Rogan Lab, Western University
No classification provided (evidence only). Condition: Gastric cancer. Review status: no classification provided. Collection method: in vitro. Allele origin: not applicable. Functional consequence: retained intron. Not counted in ClinVar's aggregate classification.

Dr. Peter K. Rogan Lab, Western University
No classification provided (evidence only). Condition: Gastric cancer. Review status: no classification provided. Collection method: in vitro. Allele origin: not applicable. Functional consequence: retained intron. Not counted in ClinVar's aggregate classification.

Dr. Peter K. Rogan Lab, Western University
No classification provided (evidence only). Condition: Gastric cancer. Review status: no classification provided. Collection method: in vitro. Allele origin: not applicable. Functional consequence: retained intron. Not counted in ClinVar's aggregate classification.

Dr. Peter K. Rogan Lab, Western University
No classification provided (evidence only). Condition: Uterine carcinosarcoma. Review status: no classification provided. Collection method: in vitro. Allele origin: not applicable. Functional consequence: retained intron. Not counted in ClinVar's aggregate classification.

Dr. Peter K. Rogan Lab, Western University
No classification provided (evidence only). Condition: Uterine carcinosarcoma. Review status: no classification provided. Collection method: in vitro. Allele origin: not applicable. Functional consequence: retained intron. Not counted in ClinVar's aggregate classification.

Dr. Peter K. Rogan Lab, Western University
No classification provided (evidence only). Condition: Uterine carcinosarcoma. Review status: no classification provided. Collection method: in vitro. Allele origin: not applicable. Functional consequence: retained intron. Not counted in ClinVar's aggregate classification.

Dr. Peter K. Rogan Lab, Western University
No classification provided (evidence only). Condition: Uterine carcinosarcoma. Review status: no classification provided. Collection method: in vitro. Allele origin: not applicable. Functional consequence: retained intron. Not counted in ClinVar's aggregate classification.

Dr. Peter K. Rogan Lab, Western University
No classification provided (evidence only). Condition: Uterine carcinosarcoma. Review status: no classification provided. Collection method: in vitro. Allele origin: not applicable. Functional consequence: retained intron. Not counted in ClinVar's aggregate classification.

NM_144736.5(NDUFAF7):c.1111-164C>G

Gene: NDUFAF7 (NADH:ubiquinone oxidoreductase complex assembly factor 7; plus strand). Cytogenetic location: 2p22.2.
Variant type: single nucleotide variant.
Coding change: c.1111-164C>G on transcript NM_144736.5 (MANE Select); 164 bases into the intron before coding-DNA position 1111, C replaced by G.
Molecular consequence: intron variant.
Genome position (GRCh38, 1-based): chr2:37,247,971, C>G. VCF-style: chr2-37247971-C-G. GRCh37 (hg19) VCF-style: chr2-37475114-C-G.
Other names: NC_000002.11:g.37475114C>G; c.1111-287C>G (NM_001350024.2); c.898-164C>G (NM_001350027.2); c.1030-287C>G (NM_001350025.2); c.817-164C>G (NM_001083946.2).
Identifiers: ClinVar variation 684302 (VCV000684302.2), dbSNP rs12712529, ClinGen allele CA45479454.